The following is an entry in ClinVar:

ClinVar aggregate classification (germline): Benign. Review status: criteria provided, multiple submitters, no conflicts (2 of 4 stars). 2 submissions from 2 submitters: Benign (2). Last evaluated 2019-05-14.

Allele frequency attached by ClinVar (database versions not stated): ESP Exome Variant Server 0.42253; gnomAD 0.44041 and 0.44634; gnomAD exomes 0.45773 and 0.48552; TOPMed 0.45890; 1000 Genomes Project 0.46066; 1000 Genomes Project 30x 0.46205; ExAC 0.49435.
gnomAD v4.1: 736,784 of 1,611,828 alleles (46%); highest among the groups gnomAD compares: Admixed American, 61%; 170,570 homozygotes.

Submissions (2):

GeneDx
Classification: Benign. Last evaluated: 2019-05-14. Review status: criteria provided, single submitter. Criteria: GeneDx Variant Classification Process June 2021. Collection method: clinical testing. Allele origin: germline. Affected: yes.
Comment: This variant is associated with the following publications: (PMID: 33343614)

Breakthrough Genomics
Classification: Benign. Review status: criteria provided, single submitter. Criteria: ACMG Guidelines, 2015. Collection method: not provided. Allele origin: germline. Inheritance: Unknown mechanism. Affected: yes.

NM_001346810.2(DLGAP2):c.1391C>A (p.Pro464Gln)

Genes: DLGAP2 (DLG associated protein 2; plus strand), DLGAP2-AS1 (DLGAP2 antisense RNA 1; minus strand). Cytogenetic location: 8p23.3.
Variant type: single nucleotide variant.
Coding change: c.1391C>A on transcript NM_001346810.2 (MANE Select); coding-DNA position 1391, C replaced by A.
Protein change: p.Pro464Gln; replaces proline 464 with glutamine.
Molecular consequence: missense variant.
Genome position (GRCh38, 1-based): chr8:1,565,843, C>A. VCF-style: chr8-1565843-C-A. GRCh37 (hg19) VCF-style: chr8-1514009-C-A.
Other names: NM_004745.4:c.1151C>A; short protein forms P464Q.
Identifiers: ClinVar variation 1272088 (VCV001272088.2), dbSNP rs2301963, ClinGen allele CA4598431.
Genomic context (GRCh38, chr8:1,565,843, plus strand): 5'-ACGAGGAGAGCGGAGAGTCAGACTCCAGCCCCAAGACATCACCAAAGTCGGCAATCCTAC[C>A]AGAGCCGCTGCTGAAGTCCATCGGACAGAGACCGCTTGGAGAGCACCAGACGTAAGTGAG-3'
Protein context (NP_001333739.1, residues 454-474): PKTSPKSAIL[Pro464Gln]EPLLKSIGQR